The following is an entry in ClinVar:

NM_003907.3(EIF2B5):c.349C>G (p.Leu117Val)

Gene: EIF2B5 (eukaryotic translation initiation factor 2B subunit epsilon; plus strand). Cytogenetic location: 3q27.1.
Variant type: single nucleotide variant.
Coding change: c.349C>G on transcript NM_003907.3 (MANE Select); coding-DNA position 349, C replaced by G.
Protein change: p.Leu117Val; replaces leucine 117 with valine.
Molecular consequence: missense variant.
Genome position (GRCh38, 1-based): chr3:184,137,648, C>G. VCF-style: chr3-184137648-C-G. GRCh37 (hg19) VCF-style: chr3-183855436-C-G.
Other names: short protein forms L117V.
Identifiers: ClinVar variation 560268 (VCV000560268.6), dbSNP rs1365253275, ClinGen allele CA355381777.

ClinVar aggregate classification (germline): Uncertain significance. Review status: criteria provided, multiple submitters, no conflicts (2 of 4 stars). 3 submissions from 3 submitters: Uncertain significance (3). Last evaluated 2025-07-15.

Conditions:
Vanishing white matter disease. Also called: CACH syndrome; Childhood ataxia with diffuse central nervous system hypomyelination; Leukoencephalopathy with vanishing white matter; CACH/VWM syndrome; Cree leukoencehalopathy. Identifiers: Orphanet 135, Orphanet 99853, MedGen C1858991, MONDO:0800448.
Inborn genetic diseases. Identifiers: MedGen C0950123, MeSH D030342.

Allele frequency attached by ClinVar (database versions not stated): gnomAD exomes below 0.00001; TOPMed below 0.00001; gnomAD 0.00001.
gnomAD v4.1: 2 of 1,614,104 alleles (0.00012%); highest among the groups gnomAD compares: Non-Finnish European, 0.00017%; no homozygotes.

Submissions (3):

Ambry Genetics
Classification: Uncertain significance for Inborn genetic diseases. Last evaluated: 2025-07-15. Review status: criteria provided, single submitter. Criteria: Ambry Variant Classification Scheme 2023. Collection method: clinical testing. Allele origin: germline.

GeneDx
Classification: Uncertain significance. Last evaluated: 2019-09-12. Review status: criteria provided, single submitter. Criteria: GeneDx Variant Classification Process June 2021. Collection method: clinical testing. Allele origin: germline. Affected: yes.
Comment: Not observed in large population cohorts (Lek et al., 2016); In silico analysis, which includes protein predictors and evolutionary conservation, supports that this variant does not alter protein structure/function; Has not been previously published as pathogenic or benign to our knowledge

Geisinger Autism and Developmental Medicine Institute, Geisinger Health System
Classification: Uncertain significance for Leukoencephalopathy with vanishing white matter 1. Last evaluated: 2017-08-10. Review status: criteria provided, single submitter. Criteria: ACMG Guidelines, 2015. Collection method: provider interpretation, clinical testing. Allele origin: paternal. Observed: 1 variant allele.
Comment: The p.Leu117Val variant is absent from gnomAD and computational models are inconsistent. Additionally, whole exome sequencing also identified two additional variants of uncertain significance.

Literature cited by the submitters: PubMed 22699478 (cited by Geisinger Autism and Developmental Medicine Institute, Geisinger Health System); PubMed 12707859 (cited by Geisinger Autism and Developmental Medicine Institute, Geisinger Health System).